The following is an entry in ClinVar:

NM_000441.2(SLC26A4):c.1835_1838del (p.Asn612fs)

Gene: SLC26A4 (solute carrier family 26 member 4; plus strand). Cytogenetic location: 7q22.3.
Variant type: Deletion.
Coding change: c.1835_1838del on transcript NM_000441.2 (MANE Select); coding-DNA positions 1835 to 1838, 4 bases deleted (ATAA; older notation c.1835_1838delATAA).
Protein change: p.Asn612fs; shifts the reading frame from asparagine 612.
Molecular consequence: frameshift variant.
Genome position (GRCh38, 1-based): chr7:107,701,858-107,701,861, ATAA deleted; deleting any 4 consecutive bases within chr7:107,701,856-107,701,861 gives the same sequence; the c. name uses the placement nearest the transcript's 3' end. VCF-style (leftmost placement, unchanged base first): chr7-107701855-CAAAT-C. GRCh37 (hg19) VCF-style: chr7-107342300-CAAAT-C.
Other names: short protein forms N612fs.
Identifiers: ClinVar variation 3601755 (VCV003601755.1).
Genomic context (GRCh38, chr7:107,701,855, plus strand): 5'-ACAATTAAGTTGACAGTGTTTTCTTCGTTTAGAATGGCATCATAAGTGATGCTGTTTCAA[CAAAT>C]AATGCTTTTGAGCCTGATGAGGATATTGAAGATCTGGAGGAACTTGATATCCCAACCAAG-3'

ClinVar aggregate classification (germline): Pathogenic (1 of 4 stars; one submission).

Conditions:
Autosomal recessive nonsyndromic hearing loss 4 (DFNB4). Also called: Deafness, autosomal recessive 4; FOXI1-Related Pendred Syndrome; KCNJ10-Related Pendred Syndrome; DEAFNESS, AUTOSOMAL RECESSIVE 4, WITH ENLARGED VESTIBULAR AQUEDUCT, DIGENIC; NEUROSENSORY NONSYNDROMIC RECESSIVE DEAFNESS 4; Nonsyndromic enlarged vestibular aqueduct (NSEVA). Identifiers: Orphanet 90636, MedGen C3538946, MONDO:0010933, OMIM 600791.

Submission:

Institute of Rare Diseases, West China Hospital, Sichuan University
Classification: Pathogenic for Autosomal recessive nonsyndromic hearing loss 4. Last evaluated: 2025-01-09. Review status: criteria provided, single submitter. Criteria: ClinGen HL ACMG Specifications v1. Collection method: research. Allele origin: germline. Affected: yes.
Comment: PVS1;PM3;PP4;PM2_Supporting